The following is an entry in ClinVar:

NM_018417.6(ADCY10):c.505G>A (p.Gly169Ser)

Genes: ADCY10 (adenylate cyclase 10; minus strand), DCAF6 (DDB1 and CUL4 associated factor 6; plus strand). Cytogenetic location: 1q24.2.
Variant type: single nucleotide variant.
Coding change: c.505G>A on transcript NM_018417.6 (MANE Select); coding-DNA position 505, G replaced by A.
Protein change: p.Gly169Ser; replaces glycine 169 with serine.
Molecular consequence: missense variant.
Genome position (GRCh38, 1-based): chr1:167,899,560, C>T on the plus strand (G>A on the coding strand, the complement: ADCY10 is on the minus strand). VCF-style: chr1-167899560-C-T. GRCh37 (hg19) VCF-style: chr1-167868798-C-T.
Other names: c.46G>A, p.Gly16Ser (NM_001167749.3); c.229G>A, p.Gly77Ser (NM_001297772.2); short protein forms G169S, G16S, G77S.
Identifiers: ClinVar variation 4982523 (VCV004982523.1).

ClinVar aggregate classification (germline): Uncertain significance (1 of 4 stars; one submission).

Conditions:
ADCY10-related disorder. Also called: ADCY10-related condition.

gnomAD v4.1: 14 of 1,614,190 alleles (0.00087%); highest among the groups gnomAD compares: Non-Finnish European, 0.0011%; no homozygotes.

Submission:

PreventionGenetics, part of Exact Sciences
Classification: Uncertain significance for ADCY10-related condition. Last evaluated: 2026-09-01. Review status: criteria provided, single submitter. Criteria: ACMG Guidelines, 2015. Collection method: clinical testing. Allele origin: germline.
Comment: The ADCY10 c.505G>A variant is predicted to result in the amino acid substitution p.Gly169Ser. To our knowledge, this variant has not been reported in the literature. This variant is reported in 0.0018% of alleles in individuals of European (Non-Finnish) descent in gnomAD. At this time, the clinical significance of this variant is uncertain due to the absence of conclusive functional and genetic evidence.